The following is an entry in ClinVar:

ClinVar aggregate classification (germline): Uncertain significance (1 of 4 stars; one submission).

Conditions:
Mucopolysaccharidosis, MPS-IV-A (MPS4A). Also called: Mucopolysaccharidosis type IV A; Mucopolysaccharidosis Type IVA; Morquio syndrome A, mild; MORQUIO SYNDROME A; MPS IVA; mucopolysaccharidosis type 4A. Identifiers: Orphanet 309297, Orphanet 582, MedGen C0086651, MONDO:0009659, OMIM 253000.

Submission:

Laboratory of Diagnosis and Therapy of Lysosomal Disorders, University of Padova
Classification: Uncertain significance for Mucopolysaccharidosis, MPS-IV-A. Last evaluated: 2021-02-01. Review status: criteria provided, single submitter. Criteria: ACMG Guidelines, 2015. Collection method: curation. Allele origin: germline. Affected: yes.
Comment: Absent from gnomAD v2.1.1 (PM2_moderate); multiple lines of computational evidence support a deleterious effect on the gene (PP3_supporting)

Literature cited by the submitters: PubMed 31200731; PubMed 34387910.

NM_000512.5(GALNS):c.1523T>C (p.Leu508Pro)

Gene: GALNS (galactosamine (N-acetyl)-6-sulfatase; minus strand). Cytogenetic location: 16q24.3.
Variant type: single nucleotide variant.
Coding change: c.1523T>C on transcript NM_000512.5 (MANE Select); coding-DNA position 1523, T replaced by C.
Protein change: p.Leu508Pro; replaces leucine 508 with proline.
Molecular consequence: missense variant.
Genome position (GRCh38, 1-based): chr16:88,814,485, A>G on the plus strand (T>C on the coding strand, the complement: GALNS is on the minus strand). VCF-style: chr16-88814485-A-G. GRCh37 (hg19) VCF-style: chr16-88880893-A-G.
Other names: c.968T>C, p.Leu323Pro (NM_001323543.2); c.1541T>C, p.Leu514Pro (NM_001323544.2); short protein forms L323P, L508P, L514P.
Identifiers: ClinVar variation 1048359 (VCV001048359.3), dbSNP rs2142967000, ClinGen allele CA397092573.
Genomic context (GRCh38, chr16:88,814,485, plus strand): 5'-AGTCTGCGCAGGTGCTAGTGGGACCAGAGGCACTTCTTGGGAATGGATTCTGGAGGTGTC[A>G]GACACTTCCCTAACTTTTCACAGCCCGGAGGTGCCCAGTTCTGGGAAATGAAAATTGAGA-3'
Protein context (NP_000503.1, residues 498-518): PPGCEKLGKC[Leu508Pro]TPPESIPKKC